The following is an entry in ClinVar:

NM_032119.4(ADGRV1):c.5785G>T (p.Ala1929Ser)

Gene: ADGRV1 (adhesion G protein-coupled receptor V1; plus strand). Cytogenetic location: 5q14.3.
Variant type: single nucleotide variant.
Coding change: c.5785G>T on transcript NM_032119.4 (MANE Select); coding-DNA position 5785, G replaced by T.
Protein change: p.Ala1929Ser; replaces alanine 1929 with serine.
Molecular consequence: missense variant. On other transcripts: non-coding transcript variant (1).
Genome position (GRCh38, 1-based): chr5:90,683,706, G>T. VCF-style: chr5-90683706-G-T. GRCh37 (hg19) VCF-style: chr5-89979523-G-T.
Other names: short protein forms A1929S.
Identifiers: ClinVar variation 46340 (VCV000046340.35), dbSNP rs41311335, ClinGen allele CA138151.

ClinVar aggregate classification (germline): Conflicting classifications of pathogenicity. Review status: criteria provided, conflicting classifications (1 of 4 stars). 11 submissions from 11 submitters: Uncertain significance (4); Benign (1); Likely benign (5). 1 of the submissions does not count toward it. Last evaluated 2026-07-09.

Conditions:
Usher syndrome type 2. Also called: Usher Syndrome Type II. Identifiers: Orphanet 231178, MedGen C0339534, MONDO:0016484.
ADGRV1-related disorder. Also called: ADGRV1-related condition; ADGRV1-related disorders.
Retinal dystrophy. Also called: Inherited retinal dystrophy. Identifiers: Orphanet 71862, MedGen C0854723, MeSH D058499, MONDO:0019118, HP:0000556.
Usher syndrome type 2C. Also called: Usher syndrome, type 2B; USHER SYNDROME, TYPE IIC. Identifiers: Orphanet 231178, Orphanet 886, MedGen C2931213, MONDO:0011558, OMIM 605472.

Allele frequency attached by ClinVar (database versions not stated): 1000 Genomes Project 30x 0.00031; 1000 Genomes Project 0.00040; TOPMed 0.00065; ESP Exome Variant Server 0.00082.
gnomAD v4.1: 1,721 of 1,613,776 alleles (0.11%); highest among the groups gnomAD compares: Non-Finnish European, 0.14%; 2 homozygotes.

Submissions (11):

PreventionGenetics, part of Exact Sciences
Classification: Likely benign for ADGRV1-related condition. Last evaluated: 2026-07-09. Review status: criteria provided, single submitter. Criteria: ACMG Guidelines, 2015. Collection method: clinical testing. Allele origin: germline.
Comment: This variant is classified as likely benign based on ACMG/AMP sequence variant interpretation guidelines (Richards et al. 2015 PMID: 25741868, with internal and published modifications).

Labcorp Genetics (formerly Invitae), Labcorp
Classification: Benign. Last evaluated: 2026-02-01. Review status: criteria provided, single submitter. Criteria: Invitae Variant Classification Sherloc (09022015). Collection method: clinical testing. Allele origin: germline.

CeGaT Center for Human Genetics Tuebingen
Classification: Likely benign. Last evaluated: 2025-08-01. Review status: criteria provided, single submitter. Criteria: CeGaT Center For Human Genetics Tuebingen Variant Classification Criteria Version 2. Collection method: clinical testing. Allele origin: germline. Affected: yes. Observed: 1 variant allele.
Comment: ADGRV1: BP4

Blueprint Genetics
Classification: Likely benign. Last evaluated: 2024-11-15. Review status: criteria provided, single submitter. Criteria: ACMG Guidelines, 2015. Collection method: clinical testing. Allele origin: germline.

Department of Pathology and Laboratory Medicine, Sinai Health System
Classification: Uncertain significance for Usher syndrome type 2. Last evaluated: 2023-02-01. Review status: criteria provided, single submitter. Criteria: ACMG Guidelines, 2015. Collection method: research. Allele origin: germline.

GeneDx
Classification: Likely benign. Last evaluated: 2021-02-11. Review status: criteria provided, single submitter. Criteria: GeneDx Variant Classification Process June 2021. Collection method: clinical testing. Allele origin: germline. Affected: yes.
Comment: This variant is associated with the following publications: (PMID: 22135276)

Athena Diagnostics
Classification: Uncertain significance. Last evaluated: 2019-07-01. Review status: criteria provided, single submitter. Criteria: Athena Diagnostics Criteria. Collection method: clinical testing. Allele origin: germline.

Illumina Laboratory Services, Illumina
Classification: Uncertain significance for Usher syndrome type 2C. Last evaluated: 2018-01-12. Review status: criteria provided, single submitter. Criteria: ICSL Variant Classification Criteria 13 December 2019. Collection method: clinical testing. Allele origin: germline.

Eurofins Ntd Llc (ga)
Classification: Uncertain significance. Last evaluated: 2014-06-26. Review status: criteria provided, single submitter. Criteria: EGL Classification Definitions 2015. Collection method: clinical testing. Allele origin: germline. Observed: 3 variant alleles, 3 heterozygotes.

Laboratory for Molecular Medicine, Mass General Brigham Personalized Medicine
Classification: Likely benign. Last evaluated: 2013-06-11. Review status: criteria provided, single submitter. Criteria: LMM Criteria. Collection method: clinical testing. Allele origin: germline. Observed: 4 variant alleles.
Comment: Ala1929Ser in exon 28 of GPR98: This variant is not expected to have clinical si gnificance because it has been identified in 0.1% (9/8264) of European American chromosomes and 0.02% (1/3876) of African American chromosomes in a broad popula tion by the NHLBI Exome sequencing project (d bSNP rs41311335). In addition, this variant is not expected to have clinical sig nificance due to a lack of conservation across species, including mammals and co mputational analyses (PolyPhen2, SIFT, AlignGVGD) do not suggest a high likeliho od of impact to the protein.

Institute of Human Genetics, Univ. Regensburg, Univ. Regensburg
Classification: Uncertain significance for Retinal dystrophy. Last evaluated: 2022-01-01. Review status: no assertion criteria provided. Criteria: ACMG Guidelines, 2015. Collection method: clinical testing. Allele origin: germline. Affected: yes. Not counted in ClinVar's aggregate classification.

Literature cited by the submitters: PubMed 22135276 (cited by Athena Diagnostics and Laboratory for Molecular Medicine, Mass General Brigham Personalized Medicine).